The following is an entry in ClinVar:

NM_000102.4(CYP17A1):c.1244-3C>A

Gene: CYP17A1 (cytochrome P450 family 17 subfamily A member 1; minus strand). Cytogenetic location: 10q24.32.
Variant type: single nucleotide variant.
Coding change: c.1244-3C>A on transcript NM_000102.4 (MANE Select); 3 bases into the intron before coding-DNA position 1244, C replaced by A.
Molecular consequence: intron variant.
Genome position (GRCh38, 1-based): chr10:102,830,988, G>T on the plus strand (C>A on the coding strand, the complement: CYP17A1 is on the minus strand). VCF-style: chr10-102830988-G-T. GRCh37 (hg19) VCF-style: chr10-104590745-G-T.
Identifiers: ClinVar variation 3911937 (VCV003911937.2).

ClinVar aggregate classification (germline): Uncertain significance (1 of 4 stars; one submission).

Submission:

Women's Health and Genetics/Laboratory Corporation of America, LabCorp
Classification: Uncertain significance. Last evaluated: 2025-07-03. Review status: criteria provided, single submitter. Criteria: LabCorp Variant Classification Summary - May 2015. Collection method: clinical testing. Allele origin: germline.
Comment: Variant summary: CYP17A1 c.1244-3C>A alters a non-conserved nucleotide located close to a canonical splice site and therefore could affect mRNA splicing, leading to a significantly altered protein sequence. Several computational tools predict a significant impact on normal splicing: Two predict the variant weakens a 3' acceptor site. Two predict the variant abolishes a 3' acceptor site. However, these predictions have yet to be confirmed by functional studies. The frequency data for this variant in gnomAD is considered unreliable, as metrics indicate poor data quality at this position. c.1244-3C>A has been observed in at least one individual affected with 17-hydroxylase deficiency (example: Zheng_2019). These data do not allow any conclusion about variant significance. To our knowledge, no experimental evidence demonstrating an impact on protein function has been reported. The following publication has been ascertained in the context of this evaluation (PMID: 31515780). No submitters have cited clinical-significance assessments for this variant to ClinVar. Based on the evidence outlined above, the variant was classified as uncertain significance.

Literature cited by the submitters: PubMed 31515780.